The following is an entry in ClinVar:

ClinVar aggregate classification (germline): Uncertain significance. Review status: criteria provided, multiple submitters, no conflicts (2 of 4 stars). 4 submissions from 4 submitters: Uncertain significance (4). Last evaluated 2026-01-14.

Conditions:
Congenital myopathy with fiber type disproportion. Also called: Congenital fiber-type disproportion; Congenital fiber-type disproportion myopathy. Identifiers: Orphanet 2020, MedGen C0546264, MONDO:0009711. Inheritance: all.
Congenital multicore myopathy with external ophthalmoplegia (CMYO1B). Also called: MULTICORE MYOPATHY; Congenital myopathy 1B, autosomal recessive; Minicore myopathy; Minicore myopathy with external ophthalmoplegia; MULTIMINICORE DISEASE WITH EXTERNAL OPHTHALMOPLEGIA. Identifiers: Orphanet 598, Orphanet 98905, MedGen C1850674, MONDO:0009712, OMIM 255320, HP:0003789.
Malignant hyperthermia, susceptibility to, 1 (MHS1). Also called: Anesthesia related hyperthermia; Malignant hyperpyrexia; Fulminating hyperpyrexia; Pharmacogenic myopathy; Malignant hyperthermia suceptibility 1; RYR1-Related Malignant Hyperthermia Susceptibility. Identifiers: Orphanet 423, MedGen C2930980, MONDO:0007783, OMIM 145600.
Central core myopathy (CMYO1A). Also called: Central core disease; Myopathy, central fibrillar; CONGENITAL MYOPATHY 1A, AUTOSOMAL DOMINANT, WITH SUSCEPTIBILITY TO MALIGNANT HYPERTHERMIA. Identifiers: Orphanet 597, MedGen C5830701, MONDO:0007294, OMIM 117000.
King Denborough syndrome (KDS). Identifiers: MedGen C1840365, MONDO:0020485, OMIM 619542.
RYR1-related disorder. Also called: RYR1-related condition; RYR1-related disorders. Identifiers: MedGen CN239331.

Allele frequency attached by ClinVar (database versions not stated): ExAC below 0.00001; gnomAD exomes 0.00058.
gnomAD v4.1: 64 of 1,303,600 alleles (0.0049%); highest among the groups gnomAD compares: Non-Finnish European, 0.0055%; no homozygotes.

Submissions (4):

Labcorp Genetics (formerly Invitae), Labcorp
Classification: Uncertain significance for RYR1-related disorder. Last evaluated: 2026-01-14. Review status: criteria provided, single submitter. Criteria: Invitae Variant Classification Sherloc (09022015). Collection method: clinical testing. Allele origin: germline.
Comment: This sequence change replaces threonine, which is neutral and polar, with methionine, which is neutral and non-polar, at codon 4341 of the RYR1 protein (p.Thr4341Met). This variant is present in population databases (rs752855919, gnomAD 0.1%). This variant has not been reported in the literature in individuals affected with RYR1-related conditions. ClinVar contains an entry for this variant (Variation ID: 374619). Invitae Evidence Modeling of protein sequence and biophysical properties (such as structural, functional, and spatial information, amino acid conservation, physicochemical variation, residue mobility, and thermodynamic stability) indicates that this missense variant is not expected to disrupt RYR1 protein function with a negative predictive value of 95%. In summary, the available evidence is currently insufficient to determine the role of this variant in disease. Therefore, it has been classified as a Variant of Uncertain Significance.

Revvity Omics, Revvity
Classification: Uncertain significance. Last evaluated: 2023-02-27. Review status: criteria provided, single submitter. Criteria: ACMG Guidelines, 2015. Collection method: clinical testing. Allele origin: germline.

CeGaT Center for Human Genetics Tuebingen
Classification: Uncertain significance. Last evaluated: 2022-05-01. Review status: criteria provided, single submitter. Criteria: CeGaT Center For Human Genetics Tuebingen Variant Classification Criteria Version 2. Collection method: clinical testing. Allele origin: germline. Affected: yes. Observed: 3 variant alleles.
Comment: RYR1: PP3

Fulgent Genetics
Classification: Uncertain significance for Central core myopathy; Malignant hyperthermia, susceptibility to, 1; Congenital myopathy 4A, autosomal dominant; Congenital multicore myopathy with external ophthalmoplegia; King Denborough syndrome. Last evaluated: 2021-09-29. Review status: criteria provided, single submitter. Criteria: ACMG Guidelines, 2015. Collection method: clinical testing. Allele origin: unknown.

NM_000540.3(RYR1):c.13022C>T (p.Thr4341Met)

Gene: RYR1 (ryanodine receptor 1; plus strand). Cytogenetic location: 19q13.2.
Variant type: single nucleotide variant.
Coding change: c.13022C>T on transcript NM_000540.3 (MANE Select); coding-DNA position 13022, C replaced by T.
Protein change: p.Thr4341Met; replaces threonine 4341 with methionine.
Molecular consequence: missense variant.
Genome position (GRCh38, 1-based): chr19:38,565,356, C>T. VCF-style: chr19-38565356-C-T. GRCh37 (hg19) VCF-style: chr19-39055996-C-T.
Other names: c.13007C>T, p.Thr4336Met (NM_001042723.2); short protein forms T4341M, T4336M.
Identifiers: ClinVar variation 374619 (VCV000374619.53), dbSNP rs752855919, ClinGen allele CA059537.